The following is an entry in ClinVar:

ClinVar aggregate classification (germline): Likely benign (1 of 4 stars; one submission).

Allele frequency attached by ClinVar (database versions not stated): gnomAD 0.01388 and 0.01489; TOPMed 0.01591; 1000 Genomes Project 0.01737; 1000 Genomes Project 30x 0.01999.
gnomAD v4.1: 2,097 of 152,148 alleles (1.4%); highest among the groups gnomAD compares: African/African-American, 4.8%; 38 homozygotes.

Submission:

GeneDx
Classification: Likely benign. Last evaluated: 2018-06-14. Review status: criteria provided, single submitter. Criteria: GeneDx Variant Classification (06012015). Collection method: clinical testing. Allele origin: germline. Affected: yes.
Comment: This variant is considered likely benign or benign based on one or more of the following criteria: it is a conservative change, it occurs at a poorly conserved position in the protein, it is predicted to be benign by multiple in silico algorithms, and/or has population frequency not consistent with disease.

NM_006393.3(NEBL):c.582+171G>T

Gene: NEBL (nebulette; minus strand). Cytogenetic location: 10p12.31.
Variant type: single nucleotide variant.
Coding change: c.582+171G>T on transcript NM_006393.3 (MANE Select); 171 bases into the intron after coding-DNA position 582, G replaced by T.
Molecular consequence: intron variant.
Genome position (GRCh38, 1-based): chr10:20,869,569, C>A on the plus strand (G>T on the coding strand, the complement: NEBL is on the minus strand). VCF-style: chr10-20869569-C-A. GRCh37 (hg19) VCF-style: chr10-21158498-C-A.
Other names: c.250-56629G>T (NM_001377326.1, NM_001377327.1, NM_001377328.1); c.358-56629G>T (NM_213569.2, NM_001173484.2, NM_001377322.1); c.301-56629G>T (NM_001377324.1); c.292-56629G>T (NM_001377325.1); c.310-56629G>T (NM_001377323.1).
Identifiers: ClinVar variation 675981 (VCV000675981.1), dbSNP rs11012367, ClinGen allele CA204204660.
Genomic context (GRCh38, chr10:20,869,569, plus strand): 5'-CTCTAAAAGTATGATGACACTAACCACAGCCAATTTGAGTTTGGGCTGTTTCTGCATATA[C>A]CCAAATAATTAACATAATAAAATAGATAATTTAGGGGGGGAAATTGAGATGTATTCATTT-3'